The following is an entry in ClinVar:

ClinVar aggregate classification (germline): Uncertain significance. Review status: criteria provided, multiple submitters, no conflicts (2 of 4 stars). 2 submissions from 2 submitters: Uncertain significance (2). Last evaluated 2025-01-28.

Allele frequency attached by ClinVar (database versions not stated): gnomAD 0.00001.
gnomAD v4.1: 4 of 1,613,910 alleles (0.00025%); highest among the groups gnomAD compares: African/African-American, 0.0027%; no homozygotes.

Submissions (2):

GeneDx
Classification: Uncertain significance. Last evaluated: 2025-01-28. Review status: criteria provided, single submitter. Criteria: GeneDx Variant Classification Process June 2021. Collection method: clinical testing. Allele origin: germline. Affected: yes.
Comment: Not observed at significant frequency in large population cohorts (gnomAD); Missense variant in a gene in which most reported pathogenic variants are truncating/loss of function; Has not been previously published as pathogenic or benign to our knowledge

Eurofins Ntd Llc (ga)
Classification: Uncertain significance. Last evaluated: 2015-09-05. Review status: criteria provided, single submitter. Criteria: EGL Classification Definitions 2015. Collection method: clinical testing. Allele origin: germline. Observed: 1 variant allele, 1 heterozygote.

NM_001267550.2(TTN):c.7482T>G (p.Ile2494Met)

Gene: TTN (titin; minus strand). Cytogenetic location: 2q31.2.
Variant type: single nucleotide variant.
Coding change: c.7482T>G on transcript NM_001267550.2 (MANE Select); coding-DNA position 7482, T replaced by G.
Protein change: p.Ile2494Met; replaces isoleucine 2494 with methionine.
Molecular consequence: missense variant.
Genome position (GRCh38, 1-based): chr2:178,773,574, A>C on the plus strand (T>G on the coding strand, the complement: TTN is on the minus strand). VCF-style: chr2-178773574-A-C. GRCh37 (hg19) VCF-style: chr2-179638301-A-C.
Other names: c.7482T>G (NM_001267550.1); c.7482T>G, p.Ile2494Met (NM_001256850.1, NM_133378.4, NM_133379.5); c.7344T>G, p.Ile2448Met (NM_003319.4, NM_133432.3, NM_133437.4); short protein forms I2494M, I2448M.
Identifiers: ClinVar variation 283200 (VCV000283200.6), dbSNP rs749215640, ClinGen allele CA10604423.